The following is an entry in ClinVar:

NM_057176.3(BSND):c.305G>A (p.Trp102Ter)

Gene: BSND (barttin CLCNK type accessory subunit beta; plus strand). Cytogenetic location: 1p32.3.
Variant type: single nucleotide variant.
Coding change: c.305G>A on transcript NM_057176.3 (MANE Select); coding-DNA position 305, G replaced by A.
Protein change: p.Trp102Ter; replaces tryptophan 102 with a stop codon.
Molecular consequence: nonsense.
Genome position (GRCh38, 1-based): chr1:55,007,029, G>A. VCF-style: chr1-55007029-G-A. GRCh37 (hg19) VCF-style: chr1-55472702-G-A.
Other names: short protein forms W102*.
Identifiers: ClinVar variation 968258 (VCV000968258.8), dbSNP rs1644394677, ClinGen allele CA340473370.

ClinVar aggregate classification (germline): Pathogenic/Likely pathogenic. Review status: criteria provided, multiple submitters, no conflicts (2 of 4 stars). 2 submissions from 2 submitters: Pathogenic (1); Likely pathogenic (1). Last evaluated 2024-03-27.

Conditions:
Bartter syndrome. Identifiers: Orphanet 112, MedGen C0004775, MONDO:0015231.

Allele frequency attached by ClinVar (database versions not stated): gnomAD exomes below 0.00001.

Submissions (2):

Natera, Inc.
Classification: Likely pathogenic for Bartter syndrome. Last evaluated: 2024-03-27. Review status: criteria provided, single submitter. Criteria: Natera Variant Classification Schema (03/2026). Collection method: clinical testing. Allele origin: germline.
Comment: The c.305G>A variant in BSND is a nonsense variant predicted to introduce a stop codon at amino acid 102. This variant is expected to result in nonsense mediated decay, truncation, or a dysfunctional protein product. This variant is rare in the general population with a frequency below the threshold expected for the associated phenotype(s). Given the available evidence, this variant is classified as Likely Pathogenic.

Labcorp Genetics (formerly Invitae), Labcorp
Classification: Pathogenic. Last evaluated: 2023-08-11. Review status: criteria provided, single submitter. Criteria: Invitae Variant Classification Sherloc (09022015). Collection method: clinical testing. Allele origin: germline.
Comment: This variant has not been reported in the literature in individuals affected with BSND-related conditions. ClinVar contains an entry for this variant (Variation ID: 968258). This variant is not present in population databases (gnomAD no frequency). This sequence change creates a premature translational stop signal (p.Trp102*) in the BSND gene. It is expected to result in an absent or disrupted protein product. Loss-of-function variants in BSND are known to be pathogenic (PMID: 11687798). For these reasons, this variant has been classified as Pathogenic.

Literature cited by the submitters: PubMed 11687798 (cited by Labcorp Genetics (formerly Invitae), Labcorp).